The following is an entry in ClinVar:

NM_002485.5(NBN):c.1402A>G (p.Arg468Gly)

Gene: NBN (nibrin; minus strand). Cytogenetic location: 8q21.3.
Variant type: single nucleotide variant.
Coding change: c.1402A>G on transcript NM_002485.5 (MANE Select); coding-DNA position 1402, A replaced by G.
Protein change: p.Arg468Gly; replaces arginine 468 with glycine.
Molecular consequence: missense variant.
Genome position (GRCh38, 1-based): chr8:89,953,687, T>C on the plus strand (A>G on the coding strand, the complement: NBN is on the minus strand). VCF-style: chr8-89953687-T-C. GRCh37 (hg19) VCF-style: chr8-90965915-T-C.
Other names: c.1402A>G (NM_002485.4); c.1156A>G, p.Arg386Gly (NM_001024688.3); short protein forms R386G, R468G.
Identifiers: ClinVar variation 1489589 (VCV001489589.7), dbSNP rs769862680, ClinGen allele CA4802729.
Genomic context (GRCh38, chr8:89,953,687, plus strand): 5'-AACAAGACGTTTCTATTCTTGCTGATTTGCATGAAGACATTTCTTGATTTTCTTCATCCC[T>C]TTCCCTTAGATTTAAAAAAAAAGAAGAAAACAAAACAAGAAAATGAACACAGCTAAGTAA-3'
Protein context (NP_002476.2, residues 458-478): YFQPSTKKRE[Arg468Gly]DEENQEMSSC

ClinVar aggregate classification (germline): Uncertain significance. Review status: criteria provided, multiple submitters, no conflicts (2 of 4 stars). 3 submissions from 3 submitters: Uncertain significance (2). 1 of the submissions does not count toward it. Last evaluated 2023-04-23.

Conditions:
Hereditary cancer-predisposing syndrome. Also called: Neoplastic Syndromes, Hereditary; Tumor predisposition; Hereditary neoplastic syndrome; Hereditary Cancer Syndrome. Identifiers: Orphanet 140162, MedGen C0027672, MeSH D009386, MONDO:0015356.
Microcephaly, normal intelligence and immunodeficiency (NBS). Also called: BERLIN BREAKAGE SYNDROME; Nijmegen breakage syndrome; Microcephaly with normal intelligence immunodeficiency and lymphoreticular malignancies; Nonsyndromal microcephaly autosomal recessive with normal intelligence; Seemanova syndrome 2; IMMUNODEFICIENCY, MICROCEPHALY, AND CHROMOSOMAL INSTABILITY. Identifiers: Orphanet 647, MedGen C0398791, MONDO:0009623, OMIM 251260.

Allele frequency attached by ClinVar (database versions not stated): gnomAD exomes 0.00001; ExAC 0.00002.
gnomAD v4.1: 6 of 1,607,700 alleles (0.00037%); highest among the groups gnomAD compares: South Asian, 0.0055%; no homozygotes.

Submissions (3):

Ambry Genetics
Classification: Uncertain significance for Hereditary cancer-predisposing syndrome. Last evaluated: 2023-04-23. Review status: criteria provided, single submitter. Criteria: Ambry Variant Classification Scheme 2023. Collection method: clinical testing. Allele origin: germline.
Comment: The p.R468G variant (also known as c.1402A>G), located in coding exon 11 of the NBN gene, results from an A to G substitution at nucleotide position 1402. The arginine at codon 468 is replaced by glycine, an amino acid with dissimilar properties. This amino acid position is conserved. In addition, the in silico prediction for this alteration is inconclusive. Since supporting evidence is limited at this time, the clinical significance of this alteration remains unclear.

Labcorp Genetics (formerly Invitae), Labcorp
Classification: Uncertain significance for Microcephaly, normal intelligence and immunodeficiency. Last evaluated: 2021-08-24. Review status: criteria provided, single submitter. Criteria: Invitae Variant Classification Sherloc (09022015). Collection method: clinical testing. Allele origin: germline.
Comment: This sequence change replaces arginine with glycine at codon 468 of the NBN protein (p.Arg468Gly). The arginine residue is moderately conserved and there is a moderate physicochemical difference between arginine and glycine. This variant is present in population databases (rs769862680, ExAC 0.01%). This variant has not been reported in the literature in individuals affected with NBN-related conditions. Algorithms developed to predict the effect of missense changes on protein structure and function are either unavailable or do not agree on the potential impact of this missense change (SIFT: "Deleterious"; PolyPhen-2: "Possibly Damaging"; Align-GVGD: "Class C0"). In summary, the available evidence is currently insufficient to determine the role of this variant in disease. Therefore, it has been classified as a Variant of Uncertain Significance.

Natera, Inc.
Classification: Uncertain significance for Nijmegen breakage syndrome. Last evaluated: 2025-02-21. Review status: no assertion criteria provided. Collection method: clinical testing. Allele origin: germline. Not counted in ClinVar's aggregate classification.